The following is an entry in ClinVar:

ClinVar aggregate classification (germline): Conflicting classifications of pathogenicity. Review status: criteria provided, conflicting classifications (1 of 4 stars). 3 submissions from 3 submitters: Uncertain significance (2); Likely benign (1). Last evaluated 2023-10-30.

Conditions:
Hereditary cancer-predisposing syndrome. Also called: Neoplastic Syndromes, Hereditary; Tumor predisposition; Hereditary Cancer Syndrome; Hereditary neoplastic syndrome. Identifiers: Orphanet 140162, MedGen C0027672, MeSH D009386, MONDO:0015356.
Hereditary breast ovarian cancer syndrome. Also called: Hereditary breast and ovarian cancer; Hereditary breast and ovarian cancer syndrome (HBOC); Breast and ovarian cancer; Hereditary breast and/or ovarian cancer syndrome; BRCA1- and BRCA2-Associated Hereditary Breast and Ovarian Cancer; Hereditary breast and ovarian cancer syndrome. Identifiers: Orphanet 145, MedGen C0677776, MeSH D061325, MONDO:0003582. Disease mechanism: loss of function.
Breast-ovarian cancer, familial, susceptibility to, 1 (BROVCA1). Also called: BRCA1 Hereditary Breast and Ovarian Cancer; OVARIAN CANCER, SUSCEPTIBILITY TO. Identifiers: Orphanet 145, MedGen C2676676, MONDO:0011450, OMIM 604370. Disease mechanism: loss of function.

Allele frequency attached by ClinVar (database versions not stated): gnomAD exomes below 0.00001.
gnomAD v4.1: 1 of 1,613,832 alleles (0.000062%); highest among the groups gnomAD compares: Non-Finnish European, 0.000085%; no homozygotes.

Submissions (4):

All of Us Research Program, National Institutes of Health
Classification: Uncertain significance for Breast-ovarian cancer, familial, susceptibility to, 1. Last evaluated: 2023-10-30. Review status: criteria provided, single submitter. Criteria: ACMG Guidelines, 2015. Collection method: clinical testing. Allele origin: germline. Inheritance: Autosomal dominant inheritance. Observed: 1 variant allele, 1 heterozygote.
Comment: This study involves interpretation of variants in research participants for the purpose of population health screening. Participant phenotype was not available at the time of variant classification. Additional details can be found in publication PMID: 35346344, PMCID: PMC8962531

Ambry Genetics
Classification: Likely benign for Hereditary cancer-predisposing syndrome. Last evaluated: 2022-03-04. Review status: criteria provided, single submitter. Criteria: Ambry Variant Classification Scheme 2023. Collection method: clinical testing. Allele origin: germline.

Labcorp Genetics (formerly Invitae), Labcorp
Classification: Uncertain significance for Hereditary breast ovarian cancer syndrome. Last evaluated: 2021-09-16. Review status: criteria provided, single submitter. Criteria: Invitae Variant Classification Sherloc (09022015). Collection method: clinical testing. Allele origin: germline.
Comment: In summary, the available evidence is currently insufficient to determine the role of this variant in disease. Therefore, it has been classified as a Variant of Uncertain Significance. Experimental studies have shown that this missense change does not substantially affect BRCA1 function (PMID: 30209399). Algorithms developed to predict the effect of missense changes on protein structure and function (SIFT, PolyPhen-2, Align-GVGD) all suggest that this variant is likely to be tolerated. ClinVar contains an entry for this variant (Variation ID: 868055). This variant has not been reported in the literature in individuals affected with BRCA1-related conditions. This variant is not present in population databases (ExAC no frequency). This sequence change replaces threonine with isoleucine at codon 1802 of the BRCA1 protein (p.Thr1802Ile). The threonine residue is weakly conserved and there is a moderate physicochemical difference between threonine and isoleucine.

Brotman Baty Institute, University of Washington
No classification provided (evidence only). Condition: Breast-ovarian cancer, familial 1. Review status: no classification provided. Collection method: in vitro. Allele origin: not applicable. Functional consequence: functionally_normal. Not counted in ClinVar's aggregate classification.
ClinVar note: "not provided" was previously submitted as the classification for the variant. However, the classification appeared to be based only on an observation of functional data so it was converted to no classification on 2025-07-30.

Literature cited by the submitters: PubMed 30209399 (cited by Ambry Genetics and Labcorp Genetics (formerly Invitae), Labcorp).

NM_007294.4(BRCA1):c.5405C>T (p.Thr1802Ile)

Gene: BRCA1 (BRCA1 DNA repair associated; minus strand). Cytogenetic location: 17q21.31.
Variant type: single nucleotide variant.
Coding change: c.5405C>T on transcript NM_007294.4 (MANE Select); coding-DNA position 5405, C replaced by T.
Protein change: p.Thr1802Ile; replaces threonine 1802 with isoleucine.
Molecular consequence: missense variant. On other transcripts: non-coding transcript variant (1), intron variant (1).
Genome position (GRCh38, 1-based): chr17:43,049,122, G>A on the plus strand (C>T on the coding strand, the complement: BRCA1 is on the minus strand). VCF-style: chr17-43049122-G-A. GRCh37 (hg19) VCF-style: chr17-41201139-G-A.
Other names: c.5402C>T, p.Thr1801Ile (NM_001407612.1, NM_001407613.1, NM_001407614.1 and 14 more transcripts); c.5399C>T, p.Thr1800Ile (NM_001407629.1, NM_001407630.1, NM_001407631.1 and 13 more transcripts); c.5345C>T, p.Thr1782Ile (NM_001407649.1); c.5327C>T, p.Thr1776Ile (NM_001407652.1, NM_001407653.1, NM_001407654.1 and 1 more transcripts); c.5324C>T, p.Thr1775Ile (NM_001407656.1, NM_001407657.1, NM_001407658.1); c.5321C>T, p.Thr1774Ile (NM_001407659.1, NM_001407660.1, NM_001407661.1 and 2 more transcripts); c.5279C>T, p.Thr1760Ile (NM_001407670.1, NM_001407671.1, NM_001407672.1 and 8 more transcripts); c.5273C>T, p.Thr1758Ile (NM_001407690.1, NM_001407691.1); and 73 more; short protein forms T1802I, T1823I, T698I, T1755I, T1730I, T1735I, T1758I, T1761I.
Identifiers: ClinVar variation 868055 (VCV000868055.12), dbSNP rs2051072173, ClinGen allele CA10590666.
Genomic context (GRCh38, chr17:43,049,122, plus strand): 5'-TCTTGCTCACAGGAGAGAATATTGTGTCCTCCCTCTCTGACAGGGCACCCAATACTTACT[G>A]TGCCAAGGGTGAATGATGAAAGCTCCTTCACCACAGAAGCACCACACAGCTGTACCATCC-3'
Protein context (NP_009225.1, residues 1792-1812): VKELSSFTLG[Thr1802Ile]GVHPIVVVQP